The following is an entry in ClinVar:

ClinVar aggregate classification (germline): Pathogenic (1 of 4 stars; one submission).

Conditions:
Werner syndrome (WRN). Identifiers: Orphanet 902, MedGen C0043119, MONDO:0010196, OMIM 277700.

Submission:

Labcorp Genetics (formerly Invitae), Labcorp
Classification: Pathogenic for Werner syndrome. Last evaluated: 2024-02-07. Review status: criteria provided, single submitter. Criteria: Invitae Variant Classification Sherloc (09022015). Collection method: clinical testing. Allele origin: germline.
Comment: This sequence change creates a premature translational stop signal (p.Thr8Glnfs*12) in the WRN gene. It is expected to result in an absent or disrupted protein product. Loss-of-function variants in WRN are known to be pathogenic (PMID: 16673358). This variant is not present in population databases (gnomAD no frequency). This variant has not been reported in the literature in individuals affected with WRN-related conditions. ClinVar contains an entry for this variant (Variation ID: 1452051). For these reasons, this variant has been classified as Pathogenic.

Literature cited by the submitters: PubMed 16673358.

NM_000553.6(WRN):c.22del (p.Thr8fs)

Gene: WRN (WRN RecQ like helicase; plus strand). Cytogenetic location: 8p12.
Variant type: Deletion.
Coding change: c.22del on transcript NM_000553.6 (MANE Select); coding-DNA position 22, one base deleted (A; older notation c.22delA).
Protein change: p.Thr8fs; shifts the reading frame from threonine 8.
Molecular consequence: frameshift variant.
Genome position (GRCh38, 1-based): chr8:31,058,469, A deleted; the last of 3 consecutive A bases (chr8:31,058,467-31,058,469); deleting any one gives the same sequence. VCF-style (leftmost placement, unchanged base first): chr8-31058466-GA-G. GRCh37 (hg19) VCF-style: chr8-30915982-GA-G.
Other names: short protein forms T8fs.
Identifiers: ClinVar variation 1452051 (VCV001452051.6), dbSNP rs1812358625, ClinGen allele CA1112377319.
Genomic context (GRCh38, chr8:31,058,466, plus strand): 5'-AAGACATTGTTTTTTGGACTCTGCAAATAGGACATTTCAAAGATGAGTGAAAAAAAATTG[GA>G]AACAACTGCACAGCAGCGGAAATGTCCTGAATGGATGAATGTGCAGAATAAAAGATGTGC-3'